The following is an entry in ClinVar:

NM_000044.6(AR):c.51del (p.Thr18fs)

Gene: AR (androgen receptor; plus strand). Cytogenetic location: Xq12.
Variant type: Deletion.
Coding change: c.51del on transcript NM_000044.6 (MANE Select); coding-DNA position 51, one base deleted (G; older notation c.51delG).
Protein change: p.Thr18fs; shifts the reading frame from threonine 18.
Molecular consequence: frameshift variant. On other transcripts: 5 prime UTR variant (1).
Genome position (GRCh38, 1-based): chrX:67,545,197, G deleted. VCF-style (leftmost placement, unchanged base first): chrX-67545196-AG-A. GRCh37 (hg19) VCF-style: chrX-66765038-AG-A.
Other names: c.-1733del (NM_001011645.3); c.51del, p.Thr18fs (NM_001348061.1, NM_001348063.1, NM_001348064.1); short protein forms T18fs.
Identifiers: ClinVar variation 5000933 (VCV005000933.1).
Genomic context (GRCh38, chrX:67,545,196, plus strand): 5'-CAAGCTCAAGGATGGAAGTGCAGTTAGGGCTGGGAAGGGTCTACCCTCGGCCGCCGTCCA[AG>A]ACCTACCGAGGAGCTTTCCAGAATCTGTTCCAGAGCGTGCGCGAAGTGATCCAGAACCCG-3'

ClinVar aggregate classification (germline): Likely pathogenic (1 of 4 stars; one submission).

Conditions:
AR-related disorder. Also called: AR-related condition.

Submission:

PreventionGenetics, part of Exact Sciences
Classification: Likely pathogenic for AR-related condition. Last evaluated: 2025-02-03. Review status: criteria provided, single submitter. Criteria: ACMG Guidelines, 2015. Collection method: clinical testing. Allele origin: germline.
Comment: The AR c.51delG variant is predicted to result in a frameshift and premature protein termination (p.Thr18Profs*16). To our knowledge, this variant has not been reported in the literature or in a large population database (gnomAD), indicating this variant is rare. Frameshift variants in AR are expected to be pathogenic. This variant is interpreted as likely pathogenic.